The following is an entry in ClinVar:

ClinVar aggregate classification (germline): Uncertain significance (1 of 4 stars; one submission).

Conditions:
Congenital myasthenic syndrome 14. Also called: Myasthenic syndrome, congenital, 14, with tubular aggregates. Identifiers: Orphanet 353327, Orphanet 590, MedGen C4015597, MONDO:0014543, OMIM 616228.
Congenital disorder of glycosylation, type Ii. Also called: ALG2-congenital disorder of glycosylation; ALG2-CDG; CDG Ii. Identifiers: Orphanet 79326, MedGen C1842836, MONDO:0011933, OMIM 607906.

Allele frequency attached by ClinVar (database versions not stated): gnomAD 0.00006.
gnomAD v4.1: 18 of 1,597,732 alleles (0.0011%); highest among the groups gnomAD compares: Non-Finnish European, 0.0015%; no homozygotes.

Submission:

Labcorp Genetics (formerly Invitae), Labcorp
Classification: Uncertain significance for Congenital disorder of glycosylation, type Ii; Congenital myasthenic syndrome 14. Last evaluated: 2025-07-31. Review status: criteria provided, single submitter. Criteria: Invitae Variant Classification Sherloc (09022015). Collection method: clinical testing. Allele origin: germline.
Comment: This sequence change replaces arginine, which is basic and polar, with proline, which is neutral and non-polar, at codon 31 of the ALG2 protein (p.Arg31Pro). This variant is present in population databases (no rsID available, gnomAD 0.01%). This variant has not been reported in the literature in individuals affected with ALG2-related conditions. ClinVar contains an entry for this variant (Variation ID: 533479). An algorithm developed to predict the effect of missense changes on protein structure and function (PolyPhen-2) suggests that this variant is likely to be disruptive. In summary, the available evidence is currently insufficient to determine the role of this variant in disease. Therefore, it has been classified as a Variant of Uncertain Significance.

NM_033087.4(ALG2):c.92G>C (p.Arg31Pro)

Gene: ALG2 (ALG2 alpha-1,3/1,6-mannosyltransferase; minus strand). Cytogenetic location: 9q22.33.
Variant type: single nucleotide variant.
Coding change: c.92G>C on transcript NM_033087.4 (MANE Select); coding-DNA position 92, G replaced by C.
Protein change: p.Arg31Pro; replaces arginine 31 with proline.
Molecular consequence: missense variant. On other transcripts: non-coding transcript variant (1).
Genome position (GRCh38, 1-based): chr9:99,221,803, C>G on the plus strand (G>C on the coding strand, the complement: ALG2 is on the minus strand). VCF-style: chr9-99221803-C-G. GRCh37 (hg19) VCF-style: chr9-101984085-C-G.
Other names: short protein forms R31P.
Identifiers: ClinVar variation 533479 (VCV000533479.6), dbSNP rs1279623882, ClinGen allele CA374232527.